The following is an entry in ClinVar:

NM_002470.4(MYH3):c.848G>A (p.Ser283Asn)

Gene: MYH3 (myosin heavy chain 3; minus strand). Cytogenetic location: 17p13.1.
Variant type: single nucleotide variant.
Coding change: c.848G>A on transcript NM_002470.4 (MANE Select); coding-DNA position 848, G replaced by A.
Protein change: p.Ser283Asn; replaces serine 283 with asparagine.
Molecular consequence: missense variant.
Genome position (GRCh38, 1-based): chr17:10,647,232, C>T on the plus strand (G>A on the coding strand, the complement: MYH3 is on the minus strand). VCF-style: chr17-10647232-C-T. GRCh37 (hg19) VCF-style: chr17-10550549-C-T.
Other names: short protein forms S283N.
Identifiers: ClinVar variation 3617541 (VCV003617541.2).

ClinVar aggregate classification (germline): Uncertain significance (1 of 4 stars; one submission).

gnomAD v4.1: 1 of 1,614,104 alleles (0.000062%); highest among the groups gnomAD compares: Non-Finnish European, 0.000085%; no homozygotes.

Submission:

Labcorp Genetics (formerly Invitae), Labcorp
Classification: Uncertain significance. Last evaluated: 2025-05-15. Review status: criteria provided, single submitter. Criteria: Invitae Variant Classification Sherloc (09022015). Collection method: clinical testing. Allele origin: germline.
Comment: This sequence change replaces serine, which is neutral and polar, with asparagine, which is neutral and polar, at codon 283 of the MYH3 protein (p.Ser283Asn). This variant is not present in population databases (gnomAD no frequency). This variant has not been reported in the literature in individuals affected with MYH3-related conditions. ClinVar contains an entry for this variant (Variation ID: 3617541). Invitae Evidence Modeling of protein sequence and biophysical properties (such as structural, functional, and spatial information, amino acid conservation, physicochemical variation, residue mobility, and thermodynamic stability) indicates that this missense variant is not expected to disrupt MYH3 protein function with a negative predictive value of 95%. In summary, the available evidence is currently insufficient to determine the role of this variant in disease. Therefore, it has been classified as a Variant of Uncertain Significance.